The following is an entry in ClinVar:

NM_001371986.1(UNC80):c.518A>G (p.Asn173Ser)

Gene: UNC80 (unc-80 subunit of NALCN channel complex; plus strand). Cytogenetic location: 2q34.
Variant type: single nucleotide variant.
Coding change: c.518A>G on transcript NM_001371986.1 (MANE Select); coding-DNA position 518, A replaced by G.
Protein change: p.Asn173Ser; replaces asparagine 173 with serine.
Molecular consequence: missense variant.
Genome position (GRCh38, 1-based): chr2:209,777,477, A>G. VCF-style: chr2-209777477-A-G. GRCh37 (hg19) VCF-style: chr2-210642201-A-G.
Other names: c.518A>G, p.Asn173Ser (NM_032504.2, NM_182587.4); short protein forms N173S.
Identifiers: ClinVar variation 1959813 (VCV001959813.6), dbSNP rs764332970, ClinGen allele CA2082757.

ClinVar aggregate classification (germline): Uncertain significance. Review status: criteria provided, multiple submitters, no conflicts (2 of 4 stars). 2 submissions from 2 submitters: Uncertain significance (2). Last evaluated 2022-11-15.

Conditions:
Inborn genetic diseases. Identifiers: MedGen C0950123, MeSH D030342.

Allele frequency attached by ClinVar (database versions not stated): ExAC 0.00001; gnomAD 0.00001; gnomAD exomes 0.00001; TOPMed 0.00002.
gnomAD v4.1: 5 of 1,614,082 alleles (0.00031%); highest among the groups gnomAD compares: African/African-American, 0.0027%; no homozygotes.

Submissions (2):

Labcorp Genetics (formerly Invitae), Labcorp
Classification: Uncertain significance. Last evaluated: 2022-11-15. Review status: criteria provided, single submitter. Criteria: Invitae Variant Classification Sherloc (09022015). Collection method: clinical testing. Allele origin: germline.
Comment: This variant is present in population databases (rs764332970, gnomAD 0.007%). In summary, the available evidence is currently insufficient to determine the role of this variant in disease. Therefore, it has been classified as a Variant of Uncertain Significance. Algorithms developed to predict the effect of missense changes on protein structure and function output the following: SIFT: "Not Available"; PolyPhen-2: "Benign"; Align-GVGD: "Not Available". The serine amino acid residue is found in multiple mammalian species, which suggests that this missense change does not adversely affect protein function. This variant has not been reported in the literature in individuals affected with UNC80-related conditions. This sequence change replaces asparagine, which is neutral and polar, with serine, which is neutral and polar, at codon 173 of the UNC80 protein (p.Asn173Ser).

Ambry Genetics
Classification: Uncertain significance for Inborn genetic diseases. Last evaluated: 2021-09-01. Review status: criteria provided, single submitter. Criteria: Ambry Variant Classification Scheme 2023. Collection method: clinical testing. Allele origin: germline.